The following is an entry in ClinVar:

NM_001903.5(CTNNA1):c.1354A>C (p.Met452Leu)

Gene: CTNNA1 (catenin alpha 1; plus strand). Cytogenetic location: 5q31.2.
Variant type: single nucleotide variant.
Coding change: c.1354A>C on transcript NM_001903.5 (MANE Select); coding-DNA position 1354, A replaced by C.
Protein change: p.Met452Leu; replaces methionine 452 with leucine.
Molecular consequence: missense variant. On other transcripts: 5 prime UTR variant (4), initiator codon variant (2), intron variant (3).
Genome position (GRCh38, 1-based): chr5:138,904,406, A>C. VCF-style: chr5-138904406-A-C. GRCh37 (hg19) VCF-style: chr5-138240095-A-C.
Other names: c.244A>C, p.Met82Leu (NM_001323990.1, NM_001323991.1, NM_001323992.1 and 17 more transcripts); c.-154A>C (NM_001324006.1, NM_001324007.1, NM_001324008.1 and 1 more transcripts); c.1A>C, p.Met1Leu (NM_001324012.1, NM_001324013.1); c.1297-13336A>C (NM_001323986.2); c.187-13336A>C (NM_001324011.1); c.-60-13336A>C (NM_001324010.1); c.1354A>C, p.Met452Leu (NM_001290307.3, NM_001323982.2, NM_001323983.1 and 2 more transcripts); c.1045A>C, p.Met349Leu (NM_001290309.3); and 1 more; short protein forms M349L, M329L, M452L, M1L, M82L.
Identifiers: ClinVar variation 3686320 (VCV003686320.2).
Genomic context (GRCh38, chr5:138,904,406, plus strand): 5'-TAGGTTGCCAACTTGGCCTGTTCCATCTCAAATAATGAAGAAGGTGTAAAGCTTGTTCGA[A>C]TGTCTGCAAGCCAGTTAGAAGCCCTCTGTCCTCAGGTAAAGTACAACTGACACTGGTGAC-3'
Protein context (NP_001894.2, residues 442-462): NNEEGVKLVR[Met452Leu]SASQLEALCP

ClinVar aggregate classification (germline): Uncertain significance (1 of 4 stars; one submission).

Submission:

Labcorp Genetics (formerly Invitae), Labcorp
Classification: Uncertain significance. Last evaluated: 2024-09-30. Review status: criteria provided, single submitter. Criteria: Invitae Variant Classification Sherloc (09022015). Collection method: clinical testing. Allele origin: germline.
Comment: This sequence change replaces methionine, which is neutral and non-polar, with leucine, which is neutral and non-polar, at codon 452 of the CTNNA1 protein (p.Met452Leu). This variant is present in population databases (rs372832887, gnomAD 0.0009%). This variant has not been reported in the literature in individuals affected with CTNNA1-related conditions. Invitae Evidence Modeling of protein sequence and biophysical properties (such as structural, functional, and spatial information, amino acid conservation, physicochemical variation, residue mobility, and thermodynamic stability) indicates that this missense variant is not expected to disrupt CTNNA1 protein function with a negative predictive value of 80%. In summary, the available evidence is currently insufficient to determine the role of this variant in disease. Therefore, it has been classified as a Variant of Uncertain Significance.